The following is an entry in ClinVar:

ClinVar aggregate classification (germline): Uncertain significance (1 of 4 stars; one submission).

Conditions:
Cataract 14 multiple types. Also called: CATARACT 14, NUCLEAR PULVERULENT; CATARACT 14, NUCLEAR PULVERULENT AND POSTERIOR POLAR; CATARACT 14, NUCLEAR CORALLIFORM; CATARACT 14, ZONULAR PULVERULENT; CATARACT 14, EMBRYONAL NUCLEAR; CATARACT 14, COPPOCK-LIKE. Identifiers: Orphanet 91492, MedGen C1866078, MONDO:0011162, OMIM 601885.

Submission:

Labcorp Genetics (formerly Invitae), Labcorp
Classification: Uncertain significance for Cataract 14 multiple types. Last evaluated: 2023-08-27. Review status: criteria provided, single submitter. Criteria: Invitae Variant Classification Sherloc (09022015). Collection method: clinical testing. Allele origin: germline.
Comment: This variant is not present in population databases (gnomAD no frequency). This sequence change creates a premature translational stop signal (p.Leu11Argfs*37) in the GJA3 gene. While this is not anticipated to result in nonsense mediated decay, it is expected to disrupt the last 425 amino acid(s) of the GJA3 protein. This variant has not been reported in the literature in individuals affected with GJA3-related conditions. In summary, the available evidence is currently insufficient to determine the role of this variant in disease. Therefore, it has been classified as a Variant of Uncertain Significance. Experimental studies and prediction algorithms are not available or were not evaluated, and the functional significance of this variant is currently unknown.

NM_021954.4(GJA3):c.30_31del (p.Leu11fs)

Gene: GJA3 (gap junction protein alpha 3; minus strand). Cytogenetic location: 13q12.11.
Variant type: Microsatellite.
Coding change: c.30_31del on transcript NM_021954.4 (MANE Select); coding-DNA positions 30 to 31, 2 bases deleted (CT; older notation c.30_31delCT).
Protein change: p.Leu11fs; shifts the reading frame from leucine 11.
Molecular consequence: frameshift variant.
Genome position (GRCh38, 1-based): chr13:20,143,258-20,143,259, AG deleted on the plus strand (CT on the coding strand, the reverse complement: GJA3 is on the minus strand); deleting any 2 consecutive bases within chr13:20,143,258-20,143,261 gives the same sequence; the c. name uses the placement nearest the transcript's 3' end. VCF-style (leftmost placement, unchanged base first): chr13-20143257-AAG-A. GRCh37 (hg19) VCF-style: chr13-20717396-AAG-A.
Other names: short protein forms L11fs.
Identifiers: ClinVar variation 2806450 (VCV002806450.3), dbSNP rs2500174680, ClinGen allele CA2739277461.
Genomic context (GRCh38, chr13:20,143,257, plus strand): 5'-ATGAACAGCACGGTCAGCCAAACCTTGCCGATGACCGTGGAGTGCTCCTGTGCATTTTCT[AAG>A]AGTCTTCCCAGAAAGCTCCAGTCGCCCATTGCTTCAGATTCCTAACCTGTAAGAGGAAAA-3'